The following is an entry in ClinVar:

ClinVar aggregate classification (germline): Pathogenic (1 of 4 stars; one submission).

Submission:

Labcorp Genetics (formerly Invitae), Labcorp
Classification: Pathogenic. Last evaluated: 2024-09-11. Review status: criteria provided, single submitter. Criteria: Invitae Variant Classification Sherloc (09022015). Collection method: clinical testing. Allele origin: germline.
Comment: This sequence change creates a premature translational stop signal (p.Trp150Metfs*13) in the HSD3B2 gene. While this is not anticipated to result in nonsense mediated decay, it is expected to disrupt the last 223 amino acid(s) of the HSD3B2 protein. This variant is not present in population databases (gnomAD no frequency). This variant has not been reported in the literature in individuals affected with HSD3B2-related conditions. This variant disrupts the C-terminus of the HSD3B2 protein, which has been demonstrated to be critical for enzymatic activity (PMID: 1825279). While functional studies have not been performed to directly test the effect of this variant on HSD3B2 protein function, this suggests that disruption of this region of the protein is causative of disease. This variant disrupts a region of the HSD3B2 protein in which other variant(s) (p.Arg335*) have been determined to be pathogenic (PMID: 18252794, 31006099). This suggests that this is a clinically significant region of the protein, and that variants that disrupt it are likely to be disease-causing. For these reasons, this variant has been classified as Pathogenic.

Literature cited by the submitters: PubMed 1825279; PubMed 18252794; PubMed 31006099.

NM_000198.4(HSD3B2):c.447dup (p.Trp150fs)

Gene: HSD3B2 (hydroxy-delta-5-steroid dehydrogenase, 3 beta- and steroid delta-isomerase 2; plus strand). Cytogenetic location: 1p12.
Variant type: Duplication.
Coding change: c.447dup on transcript NM_000198.4 (MANE Select); coding-DNA position 447, one base duplicated (A; older notation c.447dupA).
Protein change: p.Trp150fs; shifts the reading frame from tryptophan 150.
Molecular consequence: frameshift variant.
Genome position (GRCh38, 1-based): chr1:119,421,948, A duplicated. VCF-style (leftmost placement, unchanged base first): chr1-119421947-C-CA. GRCh37 (hg19) VCF-style: chr1-119964570-C-CA.
Other names: c.447dup, p.Trp150fs (NM_001166120.2); short protein forms W150fs.
Identifiers: ClinVar variation 3707034 (VCV003707034.2).